The following is an entry in ClinVar:

NM_001386393.1(PANK2):c.204G>C (p.Ser68=)

Genes: PANK2 (pantothenate kinase 2; plus strand), LOC130065345 (ATAC-STARR-seq lymphoblastoid silent region 12635; plus strand). Cytogenetic location: 20p13.
Variant type: single nucleotide variant.
Coding change: c.204G>C on transcript NM_001386393.1 (MANE Select); coding-DNA position 204, G replaced by C.
Protein change: p.Ser68=; no amino-acid change (serine 68 retained).
Molecular consequence: synonymous variant. On other transcripts: 5 prime UTR variant (1), non-coding transcript variant (1), intron variant (1).
Genome position (GRCh38, 1-based): chr20:3,889,634, G>C. VCF-style: chr20-3889634-G-C. GRCh37 (hg19) VCF-style: chr20-3870281-G-C.
Other names: c.-508G>C (NM_001324191.2); c.534G>C, p.Ser178= (NM_001324192.1, NM_153638.4); c.-246+730G>C (NM_024960.6); c.534G>C (NM_153638.3).
Identifiers: ClinVar variation 1609247 (VCV001609247.10), dbSNP rs767219073, ClinGen allele CA9750600.
Genomic context (GRCh38, chr20:3,889,634, plus strand): 5'-GCGGCAGGAGCCACTGCGGCGCCGGGCGAGCAGCGCGTCGGTGCCCGCGGTCGGGGCCTC[G>C]GCTGAGGGCACGAGGCGGGATCGACTGGGCTCTTACAGCGGCCCCACCTCGGTCTCCCGC-3'
Protein context (NP_001373322.1, residues 58-78): SSASVPAVGA[Ser68=]AEGTRRDRLG

ClinVar aggregate classification (germline): Likely benign. Review status: criteria provided, single submitter (1 of 4 stars). 2 submissions from 2 submitters: Likely benign (1). 1 of the submissions does not count toward it. Last evaluated 2023-11-14.

Conditions:
Pigmentary pallidal degeneration (NBIA1). Also called: PKAN NEUROAXONAL DYSTROPHY, JUVENILE-ONSET; Neurodegeneration with brain iron accumulation 1; Pantothenate Kinase-Associated Neurodegeneration; Neuroaxonal dystrophy, late infantile; Hallervorden-Spatz disease; HARP SYNDROME. Identifiers: Orphanet 157850, MedGen C0018523, MONDO:0009319, OMIM 234200.
PANK2-related disorder. Also called: PANK2-related condition.

Allele frequency attached by ClinVar (database versions not stated): gnomAD exomes 0.00002; ExAC 0.00004.
gnomAD v4.1: 17 of 1,570,464 alleles (0.0011%); highest among the groups gnomAD compares: Non-Finnish European, 0.0013%; no homozygotes.

Submissions (2):

Labcorp Genetics (formerly Invitae), Labcorp
Classification: Likely benign for Pigmentary pallidal degeneration. Last evaluated: 2023-11-14. Review status: criteria provided, single submitter. Criteria: Invitae Variant Classification Sherloc (09022015). Collection method: clinical testing. Allele origin: germline.

PreventionGenetics, part of Exact Sciences
Classification: Likely benign for PANK2-related condition. Last evaluated: 2019-06-18. Review status: no assertion criteria provided. Collection method: clinical testing. Allele origin: germline. Not counted in ClinVar's aggregate classification.
Comment: This variant is classified as likely benign based on ACMG/AMP sequence variant interpretation guidelines (Richards et al. 2015 PMID: 25741868, with internal and published modifications).